The following is an entry in ClinVar:

NM_000548.5(TSC2):c.5269G>A (p.Glu1757Lys)

Gene: TSC2 (TSC complex subunit 2; plus strand). Cytogenetic location: 16p13.3.
Variant type: single nucleotide variant.
Coding change: c.5269G>A on transcript NM_000548.5 (MANE Select); coding-DNA position 5269, G replaced by A.
Protein change: p.Glu1757Lys; replaces glutamic acid 1757 with lysine.
Molecular consequence: missense variant.
Genome position (GRCh38, 1-based): chr16:2,088,455, G>A. VCF-style: chr16-2088455-G-A. GRCh37 (hg19) VCF-style: chr16-2138456-G-A.
Other names: c.5068G>A, p.Glu1690Lys (NM_001077183.3); c.5200G>A, p.Glu1734Lys (NM_001114382.3); c.4960G>A, p.Glu1654Lys (NM_001318827.2); c.4924G>A, p.Glu1642Lys (NM_001318829.2); c.4537G>A, p.Glu1513Lys (NM_001318831.2); c.5101G>A, p.Glu1701Lys (NM_001318832.2); c.5071G>A, p.Glu1691Lys (NM_001363528.2); c.5137G>A, p.Glu1713Lys (NM_001370404.1); and 2 more; short protein forms E1757K, E1690K, E1713K, E1734K, E1513K, E1642K, E1691K, E1701K.
Identifiers: ClinVar variation 406083 (VCV000406083.24), dbSNP rs1060500957, ClinGen allele CA16615048.
Genomic context (GRCh38, chr16:2,088,455, plus strand): 5'-AGCGGTTGCCACGCCTCCCAGACTTACTGCCCAAGCCGCCTCTGCCTTCAGATCTGCGAG[G>A]AAGCCGCCTACTCCAACCCCAGCCTACCTCTGGTGCACCCTCCGTCCCATAGCAAAGCCC-3'
Protein context (NP_000539.2, residues 1747-1767): IKRLRQRICE[Glu1757Lys]AAYSNPSLPL

ClinVar aggregate classification (germline): Conflicting classifications of pathogenicity. Review status: criteria provided, conflicting classifications (1 of 4 stars). 6 submissions from 6 submitters: Uncertain significance (4); Benign (1); Likely benign (1). Last evaluated 2025-12-28.

Conditions:
Hereditary cancer-predisposing syndrome. Also called: Tumor predisposition; Neoplastic Syndromes, Hereditary; Hereditary Cancer Syndrome; Hereditary neoplastic syndrome. Identifiers: Orphanet 140162, MedGen C0027672, MeSH D009386, MONDO:0015356.
Isolated focal cortical dysplasia type II (FCORD2). Also called: CORTICAL DYSPLASIA OF TAYLOR; Focal cortical dysplasia type II. Identifiers: Orphanet 268994, MedGen C1846385, MONDO:0011818, OMIM 607341, HP:0032051.
Tuberous sclerosis syndrome (TSC). Also called: Tuberous Sclerosis Complex; Tuberous sclerosis. Identifiers: Orphanet 805, MedGen C0041341, MONDO:0001734.
Tuberous sclerosis 2 (TSC2). Identifiers: Orphanet 805, MedGen C1860707, MONDO:0013199, OMIM 613254.

Allele frequency attached by ClinVar (database versions not stated): gnomAD exomes below 0.00001; TOPMed 0.00001.
gnomAD v4.1: 1 of 1,612,792 alleles (0.000062%); highest among the groups gnomAD compares: Admixed American, 0.0017%; no homozygotes.

Submissions (6):

Labcorp Genetics (formerly Invitae), Labcorp
Classification: Benign for Tuberous sclerosis 2. Last evaluated: 2025-12-28. Review status: criteria provided, single submitter. Criteria: Invitae Variant Classification Sherloc (09022015). Collection method: clinical testing. Allele origin: germline.

Ambry Genetics
Classification: Uncertain significance for Hereditary cancer-predisposing syndrome. Last evaluated: 2025-07-10. Review status: criteria provided, single submitter. Criteria: Ambry Variant Classification Scheme 2023. Collection method: clinical testing. Allele origin: germline.
Comment: The p.E1757K variant (also known as c.5269G>A), located in coding exon 41 of the TSC2 gene, results from a G to A substitution at nucleotide position 5269. The glutamic acid at codon 1757 is replaced by lysine, an amino acid with similar properties. This amino acid position is well conserved in available vertebrate species. In addition, this alteration is predicted to be deleterious by in silico analysis. Based on the available evidence, the clinical significance of this variant remains unclear.

All of Us Research Program, National Institutes of Health
Classification: Uncertain significance for Tuberous sclerosis syndrome. Last evaluated: 2023-11-30. Review status: criteria provided, single submitter. Criteria: ACMG Guidelines, 2015. Collection method: clinical testing. Allele origin: germline. Inheritance: Autosomal dominant inheritance. Observed: 3 variant alleles, 3 heterozygotes.
Comment: This study involves interpretation of variants in research participants for the purpose of population health screening. Participant phenotype was not available at the time of variant classification. Additional details can be found in publication PMID: 35346344, PMCID: PMC8962531

Baylor Genetics
Classification: Uncertain significance for Isolated focal cortical dysplasia type II. Last evaluated: 2023-10-25. Review status: criteria provided, single submitter. Criteria: ACMG Guidelines, 2015. Collection method: clinical testing. Allele origin: unknown.

Genome-Nilou Lab
Classification: Likely benign for Tuberous sclerosis 2. Last evaluated: 2021-11-07. Review status: criteria provided, single submitter. Criteria: ACMG Guidelines, 2015. Collection method: clinical testing. Allele origin: germline. Affected: no.

Revvity Omics, Revvity
Classification: Uncertain significance for Tuberous sclerosis 2. Last evaluated: 2020-03-31. Review status: criteria provided, single submitter. Criteria: ACMG Guidelines, 2015. Collection method: clinical testing. Allele origin: germline.